The following is an entry in ClinVar:

NM_182916.3(TRNT1):c.-27-20C>G

Gene: TRNT1 (tRNA nucleotidyl transferase 1; plus strand). Cytogenetic location: 3p26.2.
Variant type: single nucleotide variant.
Coding change: c.-27-20C>G on transcript NM_182916.3 (MANE Select); 20 bases into the intron before 27 bases upstream of the start codon, C replaced by G.
Molecular consequence: intron variant.
Genome position (GRCh38, 1-based): chr3:3,128,994, C>G. VCF-style: chr3-3128994-C-G. GRCh37 (hg19) VCF-style: chr3-3170678-C-G.
Other names: c.-27-20C>G (LRG_1314t1, NM_001367321.1, NM_001367323.1 and 2 more transcripts).
Identifiers: ClinVar variation 381864 (VCV000381864.1), dbSNP rs146036551, ClinGen allele CA2228480.

ClinVar aggregate classification (germline): Likely benign (1 of 4 stars; one submission).

Allele frequency attached by ClinVar (database versions not stated): gnomAD exomes 0.00073; ExAC 0.00093; 1000 Genomes Project 30x 0.00234; 1000 Genomes Project 0.00280; gnomAD 0.00302 and 0.00321; ESP Exome Variant Server 0.00331; TOPMed 0.00345.
gnomAD v4.1: 859 of 1,526,844 alleles (0.056%); highest among the groups gnomAD compares: African/African-American, 1%; 4 homozygotes.

Submission:

GeneDx
Classification: Likely benign. Last evaluated: 2017-09-21. Review status: criteria provided, single submitter. Criteria: GeneDx Variant Classification (06012015). Collection method: clinical testing. Allele origin: germline. Affected: yes.
Comment: This variant is considered likely benign or benign based on one or more of the following criteria: it is a conservative change, it occurs at a poorly conserved position in the protein, it is predicted to be benign by multiple in silico algorithms, and/or has population frequency not consistent with disease.